The following is an entry in ClinVar:

NM_031885.5(BBS2):c.1981C>A (p.Arg661Ser)

Gene: BBS2 (Bardet-Biedl syndrome 2; minus strand). Cytogenetic location: 16q13.
Variant type: single nucleotide variant.
Coding change: c.1981C>A on transcript NM_031885.5 (MANE Select); coding-DNA position 1981, C replaced by A.
Protein change: p.Arg661Ser; replaces arginine 661 with serine.
Molecular consequence: missense variant. On other transcripts: non-coding transcript variant (5).
Genome position (GRCh38, 1-based): chr16:56,485,668, G>T on the plus strand (C>A on the coding strand, the complement: BBS2 is on the minus strand). VCF-style: chr16-56485668-G-T. GRCh37 (hg19) VCF-style: chr16-56519580-G-T.
Other names: c.1981C>A, p.Arg661Ser (NM_001377456.1); short protein forms R661S.
Identifiers: ClinVar variation 3353373 (VCV003353373.2).

ClinVar aggregate classification (germline): Uncertain significance. Review status: criteria provided, single submitter (1 of 4 stars). 2 submissions from 2 submitters: Uncertain significance (1). 1 of the submissions does not count toward it. Last evaluated 2024-01-06.

Conditions:
Bardet-Biedl syndrome 2 (BBS2). Identifiers: Orphanet 110, MedGen C2936863, MONDO:0014432, OMIM 615981.
Retinitis pigmentosa 74 (RP74). Identifiers: Orphanet 791, MedGen C4225281, MONDO:0014692, OMIM 616562.
BBS2-related disorder. Also called: BBS2-related disorders; BBS2-related condition. Identifiers: MedGen CN239228.

gnomAD v4.1: 3 of 1,613,730 alleles (0.00019%); highest among the groups gnomAD compares: Admixed American, 0.0017%; no homozygotes.

Submissions (2):

Fulgent Genetics
Classification: Uncertain significance for Bardet-Biedl syndrome 2; Retinitis pigmentosa 74. Last evaluated: 2024-01-06. Review status: criteria provided, single submitter. Criteria: ACMG Guidelines, 2015. Collection method: clinical testing. Allele origin: germline.

PreventionGenetics, part of Exact Sciences
Classification: Uncertain significance for BBS2-related condition. Last evaluated: 2024-05-28. Review status: no assertion criteria provided. Collection method: clinical testing. Allele origin: germline. Not counted in ClinVar's aggregate classification.
Comment: The BBS2 c.1981C>A variant is predicted to result in the amino acid substitution p.Arg661Ser. To our knowledge, this variant has not been reported in the literature or in a large population database, indicating this variant is rare. At this time, the clinical significance of this variant is uncertain due to the absence of conclusive functional and genetic evidence.